The following is an entry in ClinVar:

NM_025257.3(SLC44A4):c.272T>A (p.Ile91Asn)

Gene: SLC44A4 (solute carrier family 44 member 4; minus strand). Cytogenetic location: 6p21.33.
Variant type: single nucleotide variant.
Coding change: c.272T>A on transcript NM_025257.3 (MANE Select); coding-DNA position 272, T replaced by A.
Protein change: p.Ile91Asn; replaces isoleucine 91 with asparagine.
Molecular consequence: missense variant.
Genome position (GRCh38, 1-based): chr6:31,874,999, A>T on the plus strand (T>A on the coding strand, the complement: SLC44A4 is on the minus strand). VCF-style: chr6-31874999-A-T. GRCh37 (hg19) VCF-style: chr6-31842776-A-T.
Other names: c.272T>A, p.Ile91Asn (NM_001178044.2); c.44T>A, p.Ile15Asn (NM_001178045.2); short protein forms I15N, I91N.
Identifiers: ClinVar variation 3351638 (VCV003351638.1).

ClinVar aggregate classification (germline): Uncertain significance (0 of 4 stars; one submission).

Conditions:
SLC44A4-related disorder. Also called: SLC44A4-related condition.

gnomAD v4.1: 13 of 1,612,934 alleles (0.00081%); highest among the groups gnomAD compares: Non-Finnish European, 0.00076%; no homozygotes.

Submission:

PreventionGenetics, part of Exact Sciences
Classification: Uncertain significance for SLC44A4-related condition. Last evaluated: 2024-09-03. Review status: no assertion criteria provided. Collection method: clinical testing. Allele origin: germline.
Comment: The SLC44A4 c.272T>A variant is predicted to result in the amino acid substitution p.Ile91Asn. To our knowledge, this variant has not been reported in the literature. This variant is reported in 0.00090% of alleles in individuals of European (Non-Finnish) descent in gnomAD. At this time, the clinical significance of this variant is uncertain due to the absence of conclusive functional and genetic evidence.